The following is an entry in ClinVar:

ClinVar aggregate classification (germline): Conflicting classifications of pathogenicity. Review status: criteria provided, conflicting classifications (1 of 4 stars). 4 submissions from 4 submitters: Uncertain significance (1); Likely benign (2). 1 of the submissions does not count toward it. Last evaluated 2026-02-02.

Conditions:
Epidermolysis bullosa dystrophica. Also called: Dystrophic epidermolysis bullosa; Dystrophic epidermolysis bullosa, Hallopeau-Siemens type (formerly). Identifiers: Orphanet 303, MedGen C0079294, MONDO:0006543.
COL7A1-related disorder. Also called: COL7A1- related disorders; COL7A1-related condition.

Allele frequency attached by ClinVar (database versions not stated): gnomAD 0.00003; TOPMed 0.00009; ESP Exome Variant Server 0.00015.

Submissions (4):

Labcorp Genetics (formerly Invitae), Labcorp
Classification: Likely benign. Last evaluated: 2026-02-02. Review status: criteria provided, single submitter. Criteria: Invitae Variant Classification Sherloc (09022015). Collection method: clinical testing. Allele origin: germline.

PreventionGenetics, part of Exact Sciences
Classification: Likely benign for COL7A1-related condition. Last evaluated: 2025-03-13. Review status: criteria provided, single submitter. Criteria: ACMG Guidelines, 2015. Collection method: clinical testing. Allele origin: germline.
Comment: This variant is classified as likely benign based on ACMG/AMP sequence variant interpretation guidelines (Richards et al. 2015 PMID: 25741868, with internal and published modifications).

Illumina Laboratory Services, Illumina
Classification: Uncertain significance for Dystrophic epidermolysis bullosa. Last evaluated: 2018-01-12. Review status: criteria provided, single submitter. Criteria: ICSL Variant Classification Criteria 13 December 2019. Collection method: clinical testing. Allele origin: germline.

Natera, Inc.
Classification: Likely benign for Dystrophic epidermolysis bullosa. Last evaluated: 2020-06-04. Review status: no assertion criteria provided. Collection method: clinical testing. Allele origin: germline. Not counted in ClinVar's aggregate classification.

NM_000094.4(COL7A1):c.4782+9A>T

Gene: COL7A1 (collagen type VII alpha 1 chain; minus strand). Cytogenetic location: 3p21.31.
Variant type: single nucleotide variant.
Coding change: c.4782+9A>T on transcript NM_000094.4 (MANE Select); 9 bases into the intron after coding-DNA position 4782, A replaced by T.
Molecular consequence: intron variant.
Genome position (GRCh38, 1-based): chr3:48,581,564, T>A on the plus strand (A>T on the coding strand, the complement: COL7A1 is on the minus strand). VCF-style: chr3-48581564-T-A. GRCh37 (hg19) VCF-style: chr3-48618997-T-A.
Identifiers: ClinVar variation 345844 (VCV000345844.16), dbSNP rs369635501, ClinGen allele CA2379854.